The following is an entry in ClinVar:

NM_014875.3(KIF14):c.1184C>T (p.Thr395Met)

Gene: KIF14 (kinesin family member 14; minus strand). Cytogenetic location: 1q32.1.
Variant type: single nucleotide variant.
Coding change: c.1184C>T on transcript NM_014875.3 (MANE Select); coding-DNA position 1184, C replaced by T.
Protein change: p.Thr395Met; replaces threonine 395 with methionine.
Molecular consequence: missense variant. On other transcripts: 5 prime UTR variant (1).
Genome position (GRCh38, 1-based): chr1:200,615,538, G>A on the plus strand (C>T on the coding strand, the complement: KIF14 is on the minus strand). VCF-style: chr1-200615538-G-A. GRCh37 (hg19) VCF-style: chr1-200584666-G-A.
Other names: c.-202C>T (NM_001305792.1); short protein forms T395M.
Identifiers: ClinVar variation 715554 (VCV000715554.8), dbSNP rs138621008, ClinGen allele CA1317889.

ClinVar aggregate classification (germline): Conflicting classifications of pathogenicity. Review status: criteria provided, conflicting classifications (1 of 4 stars). 2 submissions from 2 submitters: Uncertain significance (1); Likely benign (1). Last evaluated 2026-01-26.

Conditions:
Microcephaly 20, primary, autosomal recessive. Identifiers: MedGen C4693572, MONDO:0054761, OMIM 617914.

Allele frequency attached by ClinVar (database versions not stated): gnomAD exomes 0.00029 and 0.00059; ExAC 0.00074; 1000 Genomes Project 30x 0.00109; 1000 Genomes Project 0.00120; gnomAD 0.00229 and 0.00238; TOPMed 0.00247; ESP Exome Variant Server 0.00338.
gnomAD v4.1: 787 of 1,613,346 alleles (0.049%); highest among the groups gnomAD compares: African/African-American, 0.8%; 1 homozygote.

Submissions (2):

Labcorp Genetics (formerly Invitae), Labcorp
Classification: Likely benign. Last evaluated: 2026-01-26. Review status: criteria provided, single submitter. Criteria: Invitae Variant Classification Sherloc (09022015). Collection method: clinical testing. Allele origin: germline.

Baylor Genetics
Classification: Uncertain significance for Microcephaly 20, primary, autosomal recessive. Last evaluated: 2020-06-22. Review status: criteria provided, single submitter. Criteria: ACMG Guidelines, 2015. Collection method: clinical testing. Allele origin: unknown. Affected: yes.
Comment: This variant was determined to be of uncertain significance according to ACMG Guidelines, 2015 [PMID:25741868].